The following is an entry in ClinVar:

NM_001323289.2(CDKL5):c.349dup (p.Tyr117fs)

Gene: CDKL5 (cyclin dependent kinase like 5; plus strand). Cytogenetic location: Xp22.13.
Variant type: Duplication.
Coding change: c.349dup on transcript NM_001323289.2 (MANE Select); coding-DNA position 349, one base duplicated (T; older notation c.349dupT).
Protein change: p.Tyr117fs; shifts the reading frame from tyrosine 117.
Molecular consequence: frameshift variant.
Genome position (GRCh38, 1-based): chrX:18,579,914, T duplicated. VCF-style (leftmost placement, unchanged base first): chrX-18579913-C-CT. GRCh37 (hg19) VCF-style: chrX-18598033-C-CT.
Other names: NM_001323289.2(CDKL5):c.349dup; p.Tyr117fs; c.349dup, p.Tyr117fs (NM_001037343.2, NM_003159.3); short protein forms Y117fs.
Identifiers: ClinVar variation 870178 (VCV000870178.1), dbSNP rs1925420814, ClinGen allele CA916083851.

ClinVar aggregate classification (germline): Pathogenic. Review status: criteria provided, multiple submitters, no conflicts (2 of 4 stars). 2 submissions from 2 submitters: Pathogenic (2). Last evaluated 2024-12-24.

Conditions:
Developmental and epileptic encephalopathy, 2 (DEE2). Also called: INFANTILE SPASM SYNDROME, X-LINKED 2; CDKL5 deficiency disorder. Identifiers: Orphanet 1934, Orphanet 3451, Orphanet 505652, MedGen C4750718, MONDO:0010396, OMIM 300672.
CDKL5 disorder. Identifiers: MedGen CN296942, MONDO:0100039.

Submissions (2):

Centre for Population Genomics, CPG
Classification: Pathogenic for CDKL5 disorder. Last evaluated: 2024-12-24. Review status: criteria provided, single submitter. Criteria: McKnight et al. (Hum Mutat. 2022). Collection method: curation. Allele origin: germline. Inheritance: X-linked inheritance.
Comment: This variant has been collected from RettBASE and curated to current modified ACMG/AMP criteria. Based on the classification scheme defined by the ClinGen Rett/Angelman-like Expert Panel for Rett/AS-like Disorders Specifications to the ACMG/AMP Variant Interpretation Guidelines VCEP 3.0, this variant is classified as pathogenic. At least the following criteria are met: Predicted to result in loss of function, and LOF is a known mechanism of disease (PVS1). This variant has been identified as a de novo occurrence in an individual with CDKL5 disorder without confirmation of paternity and maternity (PM6, PMID: 37193389). This variant is absent from gnomAD (PM2_Supporting).

Laboratory of Inherited Metabolic Diseases, Research centre for medical genetics
Classification: Pathogenic for Developmental and epileptic encephalopathy, 2. Last evaluated: 2020-02-14. Review status: criteria provided, single submitter. Criteria: ACMG Guidelines, 2015. Collection method: clinical testing. Allele origin: unknown. Inheritance: X-linked inheritance. Affected: yes.